The following is an entry in ClinVar:

ClinVar aggregate classification (germline): Pathogenic. Review status: criteria provided, multiple submitters, no conflicts (2 of 4 stars). 2 submissions from 2 submitters: Pathogenic (2). Last evaluated 2023-07-31.

Conditions:
Dilated cardiomyopathy 1G (CMD1G). Identifiers: Orphanet 154, MedGen C1858763, MONDO:0011400, OMIM 604145.
Autosomal recessive limb-girdle muscular dystrophy type 2J (LGMDR10). Also called: MUSCULAR DYSTROPHY, LIMB-GIRDLE, AUTOSOMAL RECESSIVE 10; Limb-girdle muscular dystrophy, type 2J. Identifiers: Orphanet 140922, MedGen C1837342, MONDO:0012127, OMIM 608807.

Submissions (2):

Labcorp Genetics (formerly Invitae), Labcorp
Classification: Pathogenic for Dilated cardiomyopathy 1G; Autosomal recessive limb-girdle muscular dystrophy type 2J. Last evaluated: 2023-07-31. Review status: criteria provided, single submitter. Criteria: Invitae Variant Classification Sherloc (09022015). Collection method: clinical testing. Allele origin: germline.
Comment: For these reasons, this variant has been classified as Pathogenic. This premature translational stop signal has been observed in individual(s) with dilated cardiomyopathy (Invitae). It has also been observed to segregate with disease in related individuals. This sequence change creates a premature translational stop signal (p.Arg26286Glnfs*20) in the TTN gene. While this is not anticipated to result in nonsense mediated decay, it is expected to create a truncated TTN protein. This variant is not present in population databases (gnomAD no frequency). ClinVar contains an entry for this variant (Variation ID: 202473). This variant is located in the A band of TTN (PMID: 25589632). Truncating variants in this region are significantly overrepresented in patients affected with dilated cardiomyopathy (PMID: 25589632). Truncating variants in this region have also been reported in individuals affected with autosomal recessive centronuclear myopathy (PMID: 23975875).

GeneDx
Classification: Pathogenic. Last evaluated: 2013-11-21. Review status: criteria provided, single submitter. Criteria: GeneDx Variant Classification (06012015). Collection method: clinical testing. Allele origin: germline. Affected: yes.
Comment: c.73932_73935delTAGA mutation in the TTN gene has not been reported previously as a disease-causing mutation or as a benign polymorphism, to our knowledge. This mutation causes a shift in reading frame starting at residue Arginine 24645, changing it to a Glutamine, and creating a premature stop codon at position 20 of the new reading frame, denoted p.R24645QfsX20. This mutation is expected to result in either an abnormal, truncated protein product or loss of protein from this allele through nonsense-mediated mRNA decay. Other truncating TTN variants have been reported in approximately 3% of control alleles (Herman D et al., 2012). However, c.73932_73935delTAGA is located in the A-band region of titin, where the majority of truncating mutations associated with DCM have been reported (Herman D et al., 2012). In summary, c.73932_73935delTAGA in the TTN gene is interpreted as a disease-causing mutation. The variant is found in TTN panel(s).

Literature cited by the submitters: PubMed 25589632 (cited by Labcorp Genetics (formerly Invitae), Labcorp); PubMed 23975875 (cited by Labcorp Genetics (formerly Invitae), Labcorp).

NM_001267550.2(TTN):c.78855_78858del (p.Arg26286fs)

Genes: TTN (titin; minus strand), TTN-AS1 (TTN antisense RNA 1; plus strand). Cytogenetic location: 2q31.2.
Variant type: Microsatellite.
Coding change: c.78855_78858del on transcript NM_001267550.2 (MANE Select); coding-DNA positions 78855 to 78858, 4 bases deleted (TAGA; older notation c.78855_78858delTAGA).
Protein change: p.Arg26286fs; shifts the reading frame from arginine 26286.
Molecular consequence: frameshift variant.
Genome position (GRCh38, 1-based): chr2:178,567,274-178,567,277, TCTA deleted on the plus strand (TAGA on the coding strand, the reverse complement: TTN is on the minus strand); deleting any 4 consecutive bases within chr2:178,567,274-178,567,281 gives the same sequence; the c. name uses the placement nearest the transcript's 3' end. VCF-style (leftmost placement, unchanged base first): chr2-178567273-GTCTA-G. GRCh37 (hg19) VCF-style: chr2-179432000-GTCTA-G.
Other names: c.73932_73935del, p.Arg24645fs (NM_001256850.1); c.51660_51663del, p.Arg17221fs (NM_003319.4); c.71151_71154del, p.Arg23718fs (NM_133378.4); c.52035_52038del, p.Arg17346fs (NM_133432.3); c.52236_52239del, p.Arg17413fs (NM_133437.4); c.73932_73935delTAGA (NM_001256850.1); short protein forms R17221fs, R17413fs, R24645fs, R17346fs, R23718fs, R26286fs.
Identifiers: ClinVar variation 202473 (VCV000202473.9), dbSNP rs794729346, ClinGen allele CA309436.